The following is an entry in ClinVar:

ClinVar aggregate classification (germline): Uncertain significance (1 of 4 stars; one submission).

Submission:

Laboratorio de Genetica e Diagnostico Molecular, Hospital Israelita Albert Einstein
Classification: Uncertain significance. Last evaluated: 2019-08-08. Review status: criteria provided, single submitter. Criteria: ACMG Guidelines, 2015. Collection method: clinical testing. Allele origin: germline. Affected: yes.
Comment: ACMG classification criteria: PM1, PM2, PP3

NM_001987.5(ETV6):c.1102T>G (p.Phe368Val)

Genes: ETV6 (ETS variant transcription factor 6; plus strand), LOC126861452 (CDK7 strongly-dependent group 2 enhancer GRCh37_chr12:12037195-12038394; plus strand). Cytogenetic location: 12p13.2.
Variant type: single nucleotide variant.
Coding change: c.1102T>G on transcript NM_001987.5 (MANE Select); coding-DNA position 1102, T replaced by G.
Protein change: p.Phe368Val; replaces phenylalanine 368 with valine.
Molecular consequence: missense variant.
Genome position (GRCh38, 1-based): chr12:11,884,537, T>G. VCF-style: chr12-11884537-T-G. GRCh37 (hg19) VCF-style: chr12-12037471-T-G.
Other names: short protein forms F368V.
Identifiers: ClinVar variation 1690668 (VCV001690668.2), dbSNP rs2136596089, ClinGen allele CA384044675.
Genomic context (GRCh38, chr12:11,884,537, plus strand): 5'-TTGCTTTCTGACAGCCGGTACGAAAACTTCATCCGATGGGAGGACAAAGAATCCAAAATA[T>G]TCCGGATAGTGGATCCCAACGGACTGGCTCGACTGTGGGGAAACCATAAGGTAAAAGGGC-3'
Protein context (NP_001978.1, residues 358-378): IRWEDKESKI[Phe368Val]RIVDPNGLAR